The following is an entry in ClinVar:

NM_002500.5(NEUROD1):c.58C>G (p.Pro20Ala)

Gene: NEUROD1 (neuronal differentiation 1; minus strand). Cytogenetic location: 2q31.3.
Variant type: single nucleotide variant.
Coding change: c.58C>G on transcript NM_002500.5 (MANE Select); coding-DNA position 58, C replaced by G.
Protein change: p.Pro20Ala; replaces proline 20 with alanine.
Molecular consequence: missense variant.
Genome position (GRCh38, 1-based): chr2:181,678,803, G>C on the plus strand (C>G on the coding strand, the complement: NEUROD1 is on the minus strand). VCF-style: chr2-181678803-G-C. GRCh37 (hg19) VCF-style: chr2-182543530-G-C.
Other names: short protein forms P20A.
Identifiers: ClinVar variation 1999027 (VCV001999027.4), dbSNP rs1271902949, ClinGen allele CA349787804.

ClinVar aggregate classification (germline): Uncertain significance (1 of 4 stars; one submission).

Allele frequency attached by ClinVar (database versions not stated): gnomAD exomes 0.00001.
gnomAD v4.1: 3 of 1,614,054 alleles (0.00019%); highest among the groups gnomAD compares: Non-Finnish European, 0.00025%; no homozygotes.

Submission:

Labcorp Genetics (formerly Invitae), Labcorp
Classification: Uncertain significance. Last evaluated: 2022-06-08. Review status: criteria provided, single submitter. Criteria: Invitae Variant Classification Sherloc (09022015). Collection method: clinical testing. Allele origin: germline.
Comment: This sequence change replaces proline, which is neutral and non-polar, with alanine, which is neutral and non-polar, at codon 20 of the NEUROD1 protein (p.Pro20Ala). This variant is present in population databases (no rsID available, gnomAD 0.007%). This variant has not been reported in the literature in individuals affected with NEUROD1-related conditions. Algorithms developed to predict the effect of missense changes on protein structure and function (SIFT, PolyPhen-2, Align-GVGD) all suggest that this variant is likely to be tolerated. In summary, the available evidence is currently insufficient to determine the role of this variant in disease. Therefore, it has been classified as a Variant of Uncertain Significance.